The following is an entry in ClinVar:

NM_005188.4(CBL):c.*4118A>G

Gene: CBL (Cbl proto-oncogene; plus strand). Cytogenetic location: 11q23.3.
Variant type: single nucleotide variant.
Coding change: c.*4118A>G on transcript NM_005188.4 (MANE Select); 4118 bases downstream of the stop codon, A replaced by G.
Molecular consequence: 3 prime UTR variant.
Genome position (GRCh38, 1-based): chr11:119,303,899, A>G. VCF-style: chr11-119303899-A-G. GRCh37 (hg19) VCF-style: chr11-119174609-A-G.
Identifiers: ClinVar variation 302846 (VCV000302846.5), dbSNP rs192175025, ClinGen allele CA10637412.

ClinVar aggregate classification (germline): Benign (1 of 4 stars; one submission).

Conditions:
CBL-related disorder. Also called: NOONAN SYNDROME-LIKE DISORDER WITHOUT JUVENILE MYELOMONOCYTIC LEUKEMIA; CBL MUTATION-ASSOCIATED SYNDROME; CBL SYNDROME. Identifiers: Orphanet 363972, MedGen C3150803, MONDO:0013308, OMIM 613563.

Allele frequency attached by ClinVar (database versions not stated): gnomAD 0.00155 and 0.00189; TOPMed 0.00172; gnomAD exomes 0.00200; 1000 Genomes Project 30x 0.00250; 1000 Genomes Project 0.00300.
gnomAD v4.1: 454 of 233,532 alleles (0.19%); highest among the groups gnomAD compares: South Asian, 1.2%; 2 homozygotes.

Submission:

Illumina Laboratory Services, Illumina
Classification: Benign for CBL-related disorder. Last evaluated: 2018-01-13. Review status: criteria provided, single submitter. Criteria: ICSL Variant Classification Criteria 13 December 2019. Collection method: clinical testing. Allele origin: germline.
Comment: This variant was observed in the ICSL laboratory as part of a predisposition screen in an ostensibly healthy population. It had not been previously curated by ICSL or reported in the Human Gene Mutation Database (HGMD: prior to June 1st, 2018), and was therefore a candidate for classification through an automated scoring system. Utilizing variant allele frequency, disease prevalence and penetrance estimates, and inheritance mode, an automated score was calculated to assess if this variant is too frequent to cause the disease. Based on the score and internal cut-off values, a variant classified as benign is not then subjected to further curation. The score for this variant resulted in a classification of benign for this disease.